The following is an entry in ClinVar:

NM_030662.4(MAP2K2):c.291C>G (p.Ile97Met)

Gene: MAP2K2 (mitogen-activated protein kinase kinase 2; minus strand). Cytogenetic location: 19p13.3.
Variant type: single nucleotide variant.
Coding change: c.291C>G on transcript NM_030662.4 (MANE Select); coding-DNA position 291, C replaced by G.
Protein change: p.Ile97Met; replaces isoleucine 97 with methionine.
Molecular consequence: missense variant.
Genome position (GRCh38, 1-based): chr19:4,117,431, G>C on the plus strand (C>G on the coding strand, the complement: MAP2K2 is on the minus strand). VCF-style: chr19-4117431-G-C. GRCh37 (hg19) VCF-style: chr19-4117429-G-C.
Other names: short protein forms I97M.
Identifiers: ClinVar variation 40788 (VCV000040788.9), dbSNP rs200918323, ClinGen allele CA9091061.
Genomic context (GRCh38, chr19:4,117,431, plus strand): 5'-GGGACCTTCCCCACCACTCCCCGACCTCCCCGACCCCGCAGTGCTCACCTTCCTGGCCAT[G>C]ATGAGGCCCGAGGGTCTGTGCTGGACTTTGGTGACCACCCCGCCGTTGCCCGCGCCCAGC-3'
Protein context (NP_109587.1, residues 87-107): TKVQHRPSGL[Ile97Met]MARKLIHLEI

ClinVar aggregate classification (germline): Conflicting classifications of pathogenicity. Review status: criteria provided, conflicting classifications (1 of 4 stars). 4 submissions from 4 submitters: Uncertain significance (3); Likely benign (1). Last evaluated 2025-12-09.

Conditions:
Cardiovascular phenotype. Identifiers: MedGen CN230736.
RASopathy. Also called: rasopathies; Noonan spectrum disorder. Identifiers: Orphanet 536391, MedGen C5555857, MONDO:0021060.

Allele frequency attached by ClinVar (database versions not stated): TOPMed 0.00001.
gnomAD v4.1: 27 of 1,613,146 alleles (0.0017%); highest among the groups gnomAD compares: Non-Finnish European, 0.0021%; no homozygotes.

Submissions (4):

Labcorp Genetics (formerly Invitae), Labcorp
Classification: Uncertain significance for RASopathy. Last evaluated: 2025-12-09. Review status: criteria provided, single submitter. Criteria: Invitae Variant Classification Sherloc (09022015). Collection method: clinical testing. Allele origin: germline.
Comment: This sequence change replaces isoleucine, which is neutral and non-polar, with methionine, which is neutral and non-polar, at codon 97 of the MAP2K2 protein (p.Ile97Met). This variant is present in population databases (rs200918323, gnomAD 0.002%). This variant has not been reported in the literature in individuals affected with MAP2K2-related conditions. ClinVar contains an entry for this variant (Variation ID: 40788). Invitae Evidence Modeling incorporating data from in vitro experimental studies (internal data) indicates that this missense variant is not expected to disrupt MAP2K2 function with a negative predictive value of 95%. In summary, the available evidence is currently insufficient to determine the role of this variant in disease. Therefore, it has been classified as a Variant of Uncertain Significance.

Ambry Genetics
Classification: Uncertain significance for Cardiovascular phenotype. Last evaluated: 2025-05-14. Review status: criteria provided, single submitter. Criteria: Ambry Variant Classification Scheme 2023. Collection method: clinical testing. Allele origin: germline.

Women's Health and Genetics/Laboratory Corporation of America, LabCorp
Classification: Uncertain significance. Last evaluated: 2023-12-03. Review status: criteria provided, single submitter. Criteria: LabCorp Variant Classification Summary - May 2015. Collection method: clinical testing. Allele origin: germline.

GeneDx
Classification: Likely benign. Last evaluated: 2021-06-22. Review status: criteria provided, single submitter. Criteria: GeneDx Variant Classification Process June 2021. Collection method: clinical testing. Allele origin: germline. Affected: yes.